The following is an entry in ClinVar:

ClinVar aggregate classification (germline): Uncertain significance (1 of 4 stars; one submission).

Conditions:
Inborn genetic diseases. Identifiers: MedGen C0950123, MeSH D030342.

Submission:

Ambry Genetics
Classification: Uncertain significance for Inborn genetic diseases. Last evaluated: 2025-03-01. Review status: criteria provided, single submitter. Criteria: Ambry Variant Classification Scheme 2023. Collection method: clinical testing. Allele origin: germline.
Comment: The p.E36A variant (also known as c.107A>C), located in coding exon 1 of the KDM1A gene, results from an A to C substitution at nucleotide position 107. The glutamic acid at codon 36 is replaced by alanine, an amino acid with dissimilar properties. This amino acid position is conserved. In addition, this alteration is predicted to be tolerated by in silico analysis. Based on the available evidence, the clinical significance of this variant remains unclear.

NM_001009999.3(KDM1A):c.107A>C (p.Glu36Ala)

Gene: KDM1A (lysine demethylase 1A; plus strand). Cytogenetic location: 1p36.12.
Variant type: single nucleotide variant.
Coding change: c.107A>C on transcript NM_001009999.3 (MANE Select); coding-DNA position 107, A replaced by C.
Protein change: p.Glu36Ala; replaces glutamic acid 36 with alanine.
Molecular consequence: missense variant.
Genome position (GRCh38, 1-based): chr1:23,019,703, A>C. VCF-style: chr1-23019703-A-C. GRCh37 (hg19) VCF-style: chr1-23346196-A-C.
Other names: c.107A>C, p.Glu36Ala (NM_001363654.2, NM_001410762.1, NM_001410763.1 and 1 more transcripts); short protein forms E36A.
Identifiers: ClinVar variation 3863353 (VCV003863353.1).